The following is an entry in ClinVar:

NM_018238.4(AGK):c.*141C>T

Gene: AGK (acylglycerol kinase; plus strand). Cytogenetic location: 7q34.
Variant type: single nucleotide variant.
Coding change: c.*141C>T on transcript NM_018238.4 (MANE Select); 141 bases downstream of the stop codon, C replaced by T.
Molecular consequence: 3 prime UTR variant.
Genome position (GRCh38, 1-based): chr7:141,653,065, C>T. VCF-style: chr7-141653065-C-T. GRCh37 (hg19) VCF-style: chr7-141352865-C-T.
Other names: c.*141C>T (LRG_1251t1).
Identifiers: ClinVar variation 359068 (VCV000359068.7), dbSNP rs6943245, ClinGen allele CA10628317.

ClinVar aggregate classification (germline): Benign. Review status: criteria provided, multiple submitters, no conflicts (2 of 4 stars). 4 submissions from 3 submitters: Benign (4). Last evaluated 2018-07-15.

Conditions:
Cataract 38. Also called: Cataract, autosomal recessive congenital 5; Cataract 38, autosomal recessive. Identifiers: Orphanet 91492, MedGen C3553494, MONDO:0013859, OMIM 614691.
Sengers syndrome. Also called: MITOCHONDRIAL DNA DEPLETION SYNDROME 10 (CARDIOMYOPATHIC TYPE); Cardiomyopathy and cataract. Identifiers: Orphanet 1369, MedGen C1859317, MONDO:0008922, OMIM 212350.

Allele frequency attached by ClinVar (database versions not stated): 1000 Genomes Project 0.01637; gnomAD 0.01788 and 0.01947; 1000 Genomes Project 30x 0.01889; TOPMed 0.01987.
gnomAD v4.1: 4,200 of 927,928 alleles (0.45%); highest among the groups gnomAD compares: African/African-American, 6.3%; 123 homozygotes.

Submissions (4):

GeneDx
Classification: Benign. Last evaluated: 2018-07-15. Review status: criteria provided, single submitter. Criteria: GeneDx Variant Classification Process June 2021. Collection method: clinical testing. Allele origin: germline. Affected: yes.

Illumina Laboratory Services, Illumina
Classification: Benign for Sengers syndrome. Last evaluated: 2018-01-12. Review status: criteria provided, single submitter. Criteria: ICSL Variant Classification Criteria 13 December 2019. Collection method: clinical testing. Allele origin: germline.
Comment: This variant was observed in the ICSL laboratory as part of a predisposition screen in an ostensibly healthy population. It had not been previously curated by ICSL or reported in the Human Gene Mutation Database (HGMD: prior to June 1st, 2018), and was therefore a candidate for classification through an automated scoring system. Utilizing variant allele frequency, disease prevalence and penetrance estimates, and inheritance mode, an automated score was calculated to assess if this variant is too frequent to cause the disease. Based on the score and internal cut-off values, a variant classified as benign is not then subjected to further curation. The score for this variant resulted in a classification of benign for this disease.

Illumina Laboratory Services, Illumina
Classification: Benign for Cataract 38. Last evaluated: 2018-01-12. Review status: criteria provided, single submitter. Criteria: ICSL Variant Classification Criteria 13 December 2019. Collection method: clinical testing. Allele origin: germline.
Comment: the same text as in the submission from Illumina Laboratory Services, Illumina above.

Breakthrough Genomics
Classification: Benign. Review status: criteria provided, single submitter. Criteria: ACMG Guidelines, 2015. Collection method: not provided. Allele origin: germline. Inheritance: Autosomal recessive inheritance. Affected: yes.